The following is an entry in ClinVar:

ClinVar aggregate classification (germline): Uncertain significance (1 of 4 stars; one submission).

Conditions:
Primary dilated cardiomyopathy (DCM). Also called: Dilated Cardiomyopathy. Identifiers: Orphanet 217604, MedGen C0007193, MeSH D002311, MONDO:0005021, HP:0001644. Inheritance: Various modes of inheritance.

Submission:

Labcorp Genetics (formerly Invitae), Labcorp
Classification: Uncertain significance for Primary dilated cardiomyopathy. Last evaluated: 2025-03-31. Review status: criteria provided, single submitter. Criteria: Invitae Variant Classification Sherloc (09022015). Collection method: clinical testing. Allele origin: germline.
Comment: This sequence change affects a splice site in intron 16 of the TXNRD2 gene. It is expected to disrupt RNA splicing. Variants that disrupt the donor or acceptor splice site typically lead to a loss of protein function (PMID: 16199547), however the current clinical and genetic evidence is not sufficient to establish whether loss-of-function variants in TXNRD2 cause disease. This variant is not present in population databases (gnomAD no frequency). This variant has not been reported in the literature in individuals affected with TXNRD2-related conditions. Algorithms developed to predict the effect of sequence changes on RNA splicing suggest that this variant may disrupt the consensus splice site. In summary, the available evidence is currently insufficient to determine the role of this variant in disease. Therefore, it has been classified as a Variant of Uncertain Significance.

Literature cited by the submitters: PubMed 16199547.

NM_006440.5(TXNRD2):c.1446-2del

Gene: TXNRD2 (thioredoxin reductase 2; minus strand). Cytogenetic location: 22q11.21.
Variant type: Deletion.
Coding change: c.1446-2del on transcript NM_006440.5 (MANE Select); the canonical splice acceptor site of the intron before coding-DNA position 1446, one base deleted (A; older notation c.1446-2delA).
Molecular consequence: splice acceptor variant.
Genome position (GRCh38, 1-based): chr22:19,877,236, T deleted on the plus strand (A on the coding strand, the reverse complement: TXNRD2 is on the minus strand). VCF-style (leftmost placement, unchanged base first): chr22-19877235-CT-C. GRCh37 (hg19) VCF-style: chr22-19864758-CT-C.
Other names: c.1443-2del (NM_001352300.2); c.1158-2del (NM_001352302.2); c.1356-2del (NM_001352301.2).
Identifiers: ClinVar variation 4716393 (VCV004716393.1).